The following continues an entry in ClinVar:

NM_198578.4(LRRK2):c.6055G>A (p.Gly2019Ser)

Gene: LRRK2. ClinVar aggregate classification (germline): Pathogenic/Likely pathogenic; risk factor. Pathogenic (24); Likely pathogenic (2).

Submissions 20 to 31 of 31:

GeneDx
Classification: Pathogenic. Last evaluated: 2020-03-12. Review status: criteria provided, single submitter. Criteria: GeneDx Variant Classification Process June 2021. Collection method: clinical testing. Allele origin: germline. Affected: yes.
Comment: The G2019S variant is the most common pathogenic substitution in the LRRK2 gene (Lunati et al., 2018); Individuals who are heterozygous for the G2019S variant have more than a 20-fold increase in risk for developing Parkinson disease (Dachsel et al., 2010); Lysosomal dysfunction plays a central role in the pathogenesis of Parkinson disease, and published functional studies have shown that expression of G2019S produces enlarged lysosomes and alters their function (Henry et al., 2015); In silico analysis, which includes protein predictors and evolutionary conservation, supports a deleterious effect; This variant is associated with the following publications: (PMID: 24211199, 19397894, 22080837, 21362567, 15726496, 29357897, 29248340, 30528841, 22736029, 23241358, 23396536, 20232069, 21280089, 20008657, 22914360, 21961647, 20642453, 17447891, 21686713, 22539006, 22773119, 23357204, 23472874, 21658387, 24729340, 19072560, 24652679, 21699405, 17200152, 21972245, 24470158, 21850687, 23227859, 19302196, 22004453, 20626563, 20881132, 25401981, 25330418, 22194196, 17210620, 21885347, 24488318, 24357540, 20818610, 22488887, 21696411, 21883375, 20671708, 23075850, 20096956, 16750377, 24148854, 18675914, 23747310, 25107341, 17095157, 19283415, 21753159, 22323743, 22914834, 25008396, 21494637, 23082216, 21390248, 21799870, 24082139, 22689969, 23764467, 18752982, 19945904, 20933457, 21641848, 22575234, 25434972, 23241745, 25000966, 26251043, 20457952, 18986508, 27692902, 27383589, 27423549, 27393345, 24360742, 24243757, 25962553, 23664753, 26159606, 26282470, 28862745, 29309488, 29800472, 30245141, 30709905, 3066573, 30146349, 16333314, 28487191, 28723952, 16102999, 16001413, 28639421, 18644660, 24123150, 19741132, 30172844, 16966501, 17060589, 29795570, 17116211, 24282027, 30665703, 31077434, 31324919, 31813996, 31605779, 31980526, 32875616, 26600626, 32398759, 33281709, 32353202, 18201824, 33084218, 15852371, 31589614)

Baylor Genetics
Classification: Pathogenic for Autosomal dominant Parkinson disease 8. Last evaluated: 2020-01-23. Review status: criteria provided, single submitter. Criteria: ACMG Guidelines, 2015. Collection method: clinical testing. Allele origin: unknown. Affected: yes.
Comment: This variant was determined to be pathogenic according to ACMG Guidelines, 2015 [PMID:25741868].

Dubai Health Genomic Medicine Center, Dubai Health
Classification: Pathogenic for Autosomal dominant Parkinson disease 8. Last evaluated: 2020-01-06. Review status: criteria provided, single submitter. Criteria: ACMG Guidelines, 2015. Collection method: clinical testing. Allele origin: germline. Affected: yes.

Mendelics
Classification: Pathogenic for Autosomal dominant Parkinson disease 8. Last evaluated: 2019-05-28. Review status: criteria provided, single submitter. Criteria: Mendelics Assertion Criteria 2017. Collection method: clinical testing. Allele origin: unknown.

Laboratory for Molecular Medicine, Mass General Brigham Personalized Medicine
Classification: risk factor for Young-onset Parkinson disease. Last evaluated: 2017-12-29. Review status: criteria provided, single submitter. Criteria: LMM Criteria. Collection method: clinical testing. Allele origin: germline. Observed: 1 variant allele.
Comment: LRRK2 c.6055G>A (p.Gly2019Ser) has been associated with increased risk for Parkinson's disease. This variant has been observed in multiple ethnic backgrounds with highest frequencies in individuals of Ashkenazi Jewish ancestry (0.86%, Genome Aggregation Database (gnomAD); rs6025) and is present in ClinVar (ID: 1940). A large meta-analysis has reported an odds ratio of 14.98 [95% CI 4.8-10] for developing Parkinson's disease (Wu 2012). In vivo and in vitro functional studies provide some evidence that the p.Gly2019Ser variant may impact protein function (Chen 2012). Therefore, this variant is not expected to cause highly penetrant Mendelian disease. In summary, this variant is an established risk factor for Parkinson's disease.

Institute of Human Genetics Munich, TUM University Hospital
Classification: Pathogenic for Autosomal dominant Parkinson disease 8. Last evaluated: 2017-12-07. Review status: criteria provided, single submitter. Criteria: Classification criteria August 2017. Collection method: clinical testing. Allele origin: germline. Inheritance: Autosomal dominant inheritance. Affected: yes. Observed: 5 variant alleles. Clinical features observed: Arm dystonia (HP:0031960), Parkinsonian disorder (HP:0001300), Tremor (HP:0001337), Intracranial meningioma (HP:0100009), Iron accumulation in brain (HP:0012675), Dementia (HP:0000726), Dystonic disorder (HP:0001332), Hypomimic face (HP:0000338), Bradykinesia (HP:0002067), Tachylalia (HP:0031937), Muscle stiffness (HP:0003552).

Courtagen Diagnostics Laboratory, Courtagen Life Sciences
Classification: Pathogenic for Parkinson disease 8. Last evaluated: 2014-05-14. Review status: criteria provided, single submitter. Criteria: Courtagen Life Sciences Classifications. Collection method: clinical testing. Allele origin: germline. Affected: yes.

Clinical Genetics Service, Universitary Hospital 12 de Octubre
Classification: Pathogenic for Autosomal dominant Parkinson disease 8. Review status: criteria provided, single submitter. Criteria: ACMG Guidelines, 2015. Collection method: clinical testing. Allele origin: germline. Affected: yes.

OMIM
Classification: Pathogenic for PARKINSON DISEASE 8, AUTOSOMAL DOMINANT. Last evaluated: 2012-11-22. Review status: no assertion criteria provided. Collection method: literature only. Allele origin: germline. Not counted in ClinVar's aggregate classification.

Clinical Genetics DNA and cytogenetics Diagnostics Lab, Erasmus MC, Erasmus Medical Center
Classification: Pathogenic. Review status: no assertion criteria provided. Collection method: clinical testing. Allele origin: germline. Affected: yes. Study: VKGL Data-share Consensus. Not counted in ClinVar's aggregate classification.

GeneReviews
No classification provided. Condition: Autosomal dominant Parkinson disease 8. Review status: no classification provided. Collection method: literature only. Allele origin: unknown. Not counted in ClinVar's aggregate classification.

Genome Diagnostics Laboratory, Amsterdam University Medical Center
Classification: Pathogenic. Review status: no assertion criteria provided. Collection method: clinical testing. Allele origin: germline. Affected: yes. Study: VKGL Data-share Consensus. Not counted in ClinVar's aggregate classification.

Literature cited by the submitters: PubMed 22575234 (cited by 4 submitters); PubMed 15726496 (cited by 8 submitters); PubMed 15680455 (cited by 5 submitters); PubMed 18986508 (cited by 3 submitters); PubMed 26062626 (cited by 3 submitters); PubMed 28639421 (cited by 3 submitters); PubMed 26251043 (cited by 5 submitters); PubMed 15852371 (cited by Mayo Clinic Laboratories, Mayo Clinic and OMIM); PubMed 16240353 (cited by 3 submitters); PubMed 16333314 (cited by Mayo Clinic Laboratories, Mayo Clinic); PubMed 16533964 (cited by 3 submitters); PubMed 16966501 (cited by Mayo Clinic Laboratories, Mayo Clinic and Athena Diagnostics); PubMed 20413974 (cited by Mayo Clinic Laboratories, Mayo Clinic); PubMed 29309488 (cited by Mayo Clinic Laboratories, Mayo Clinic); PubMed 17200152 (cited by Victorian Clinical Genetics Services, Murdoch Childrens Research Institute); PubMed 20301387 (cited by 5 submitters); PubMed 29402177 (cited by Athena Diagnostics); PubMed 16960813 (cited by Athena Diagnostics and OMIM); PubMed 16966502 (cited by Athena Diagnostics and OMIM); PubMed 16728648 (cited by Athena Diagnostics and OMIM); PubMed 15680457 (cited by 3 submitters); PubMed 16102999 (cited by Athena Diagnostics); PubMed 25330418 (cited by Athena Diagnostics); PubMed 16157901 (cited by Athena Diagnostics); PubMed 29386392 (cited by Athena Diagnostics); PubMed 28465860 (cited by Athena Diagnostics); PubMed 21280089 (cited by Athena Diagnostics); PubMed 18539534 (cited by Athena Diagnostics); PubMed 21753163 (cited by Athena Diagnostics); PubMed 16001413 (cited by Athena Diagnostics); PubMed 16145815 (cited by Athena Diagnostics and OMIM); PubMed 16115731 (cited by Athena Diagnostics); PubMed 16172858 (cited by Athena Diagnostics); PubMed 15955629 (cited by Athena Diagnostics); PubMed 30760999 (cited by Athena Diagnostics); PubMed 24243757 (cited by Athena Diagnostics); PubMed 20197411 (cited by Athena Diagnostics); PubMed 23472874 (cited by Athena Diagnostics); PubMed 22539006 (cited by Molecular Genetics, Royal Melbourne Hospital and Laboratory for Molecular Medicine, Mass General Brigham Personalized Medicine); PubMed 21850687 (cited by Ambry Genetics); PubMed 16750377 (cited by Women's Health and Genetics/Laboratory Corporation of America, LabCorp); PubMed 19283415 (cited by Illumina Laboratory Services, Illumina and OMIM); PubMed 24148854 (cited by Illumina Laboratory Services, Illumina); PubMed 17050822 (cited by Laboratory for Molecular Medicine, Mass General Brigham Personalized Medicine and OMIM); PubMed 16436781 (cited by Laboratory for Molecular Medicine, Mass General Brigham Personalized Medicine and OMIM); PubMed 16436782 (cited by Laboratory for Molecular Medicine, Mass General Brigham Personalized Medicine and OMIM); PubMed 18539535 (cited by Laboratory for Molecular Medicine, Mass General Brigham Personalized Medicine); PubMed 15680456 (cited by OMIM); PubMed 15732108 (cited by OMIM); PubMed 15929036 (cited by OMIM); PubMed 15811455 (cited by OMIM); PubMed 16269541 (cited by OMIM); PubMed 16311269 (cited by OMIM); PubMed 16401756 (cited by OMIM); PubMed 17060595 (cited by OMIM); PubMed 17353388 (cited by OMIM); PubMed 17215492 (cited by OMIM); PubMed 17938369 (cited by OMIM); PubMed 18704525 (cited by OMIM); PubMed 18981379 (cited by OMIM); PubMed 19020907 (cited by OMIM); PubMed 20008657 (cited by OMIM); PubMed 21115957 (cited by OMIM); PubMed 23075850 (cited by OMIM); PubMed 31626293 (cited by OMIM); NCBI Bookshelf NBK1208 (cited by GeneReviews).